The following is an entry in ClinVar:

NM_199420.4(POLQ):c.1078G>A (p.Glu360Lys)

Gene: POLQ (DNA polymerase theta; minus strand). Cytogenetic location: 3q13.33.
Variant type: single nucleotide variant.
Coding change: c.1078G>A on transcript NM_199420.4 (MANE Select); coding-DNA position 1078, G replaced by A.
Protein change: p.Glu360Lys; replaces glutamic acid 360 with lysine.
Molecular consequence: missense variant.
Genome position (GRCh38, 1-based): chr3:121,529,675, C>T on the plus strand (G>A on the coding strand, the complement: POLQ is on the minus strand). VCF-style: chr3-121529675-C-T. GRCh37 (hg19) VCF-style: chr3-121248522-C-T.
Other names: short protein forms E360K.
Identifiers: ClinVar variation 1785468 (VCV001785468.2), dbSNP rs2048397036, ClinGen allele CA354124372.
Genomic context (GRCh38, chr3:121,529,675, plus strand): 5'-TGAAGGCTTTCCTTTCCATCCATAACTCACCCTCAGCTTGATGATGTAGATTATAAAACT[C>T]TCGAGCAATGATATCTGCCAGCTTCTCACACCATTTCTTTGATGGACAAAAAAGTAATAC-3'
Protein context (NP_955452.3, residues 350-370): CEKLADIIAR[Glu360Lys]FYNLHHQAEG

ClinVar aggregate classification (germline): Uncertain significance (1 of 4 stars; one submission).

Allele frequency attached by ClinVar (database versions not stated): gnomAD 0.00001; TOPMed 0.00001.

Submission:

Ambry Genetics
Classification: Uncertain significance. Last evaluated: 2021-09-29. Review status: criteria provided, single submitter. Criteria: Ambry Variant Classification Scheme 2023. Collection method: clinical testing. Allele origin: germline.
Comment: The p.E360K variant (also known as c.1078G>A), located in coding exon 7 of the POLQ gene, results from a G to A substitution at nucleotide position 1078. The glutamic acid at codon 360 is replaced by lysine, an amino acid with similar properties. This amino acid position is conserved. In addition, this alteration is predicted to be tolerated by in silico analysis. Since supporting evidence is limited at this time, the clinical significance of this alteration remains unclear.